The following is an entry in ClinVar:

NM_005334.3(HCFC1):c.5076T>G (p.Ala1692=)

Gene: HCFC1 (host cell factor C1; minus strand). Cytogenetic location: Xq28.
Variant type: single nucleotide variant.
Coding change: c.5076T>G on transcript NM_005334.3 (MANE Select); coding-DNA position 5076, T replaced by G.
Protein change: p.Ala1692=; no amino-acid change (alanine 1692 retained).
Molecular consequence: synonymous variant.
Genome position (GRCh38, 1-based): chrX:153,952,025, A>C on the plus strand (T>G on the coding strand, the complement: HCFC1 is on the minus strand). VCF-style: chrX-153952025-A-C. GRCh37 (hg19) VCF-style: chrX-153217476-A-C.
Identifiers: ClinVar variation 1144386 (VCV001144386.33), dbSNP rs2148561246, ClinGen allele CA519701842.

ClinVar aggregate classification (germline): Likely benign. Review status: criteria provided, multiple submitters, no conflicts (2 of 4 stars). 2 submissions from 2 submitters: Likely benign (2). Last evaluated 2026-01-25.

Conditions:
Methylmalonic acidemia with homocystinuria, type cblX (MAHCX). Also called: INTELLECTUAL DEVELOPMENTAL DISORDER, X-LINKED 3. Identifiers: Orphanet 369962, MedGen C0796208, MONDO:0010657, OMIM 309541.

gnomAD v4.1: 8 of 1,197,724 alleles (0.00067%); highest among the groups gnomAD compares: East Asian, 0.003%; no homozygotes.

Submissions (2):

Labcorp Genetics (formerly Invitae), Labcorp
Classification: Likely benign for Methylmalonic acidemia with homocystinuria, type cblX. Last evaluated: 2026-01-25. Review status: criteria provided, single submitter. Criteria: Invitae Variant Classification Sherloc (09022015). Collection method: clinical testing. Allele origin: germline.

CeGaT Center for Human Genetics Tuebingen
Classification: Likely benign. Last evaluated: 2023-02-01. Review status: criteria provided, single submitter. Criteria: CeGaT Center For Human Genetics Tuebingen Variant Classification Criteria Version 2. Collection method: clinical testing. Allele origin: germline. Affected: yes. Observed: 1 variant allele.
Comment: HCFC1: PM2:Supporting, BP4, BP7